The following is an entry in ClinVar:

NM_001127222.2(CACNA1A):c.3598G>A (p.Glu1200Lys)

Gene: CACNA1A (calcium voltage-gated channel subunit alpha1 A; minus strand). Cytogenetic location: 19p13.13.
Variant type: single nucleotide variant.
Coding change: c.3598G>A on transcript NM_001127222.2 (MANE Select); coding-DNA position 3598, G replaced by A.
Protein change: p.Glu1200Lys; replaces glutamic acid 1200 with lysine.
Molecular consequence: missense variant.
Genome position (GRCh38, 1-based): chr19:13,285,162, C>T on the plus strand (G>A on the coding strand, the complement: CACNA1A is on the minus strand). VCF-style: chr19-13285162-C-T. GRCh37 (hg19) VCF-style: chr19-13395976-C-T.
Other names: c.3610G>A, p.Glu1204Lys (NM_000068.4, NM_023035.3); c.3601G>A, p.Glu1201Lys (NM_001127221.2, NM_001174080.2); short protein forms E1201K, E1204K, E1200K.
Identifiers: ClinVar variation 2004504 (VCV002004504.4), dbSNP rs2057373169, ClinGen allele CA404341032.

ClinVar aggregate classification (germline): Uncertain significance (1 of 4 stars; one submission).

Conditions:
Episodic ataxia type 2 (EA2). Also called: ATAXIA, EPISODIC, WITH NYSTAGMUS; ATAXIA, FAMILIAL PAROXYSMAL; CEREBELLAR ATAXIA, PAROXYSMAL, ACETAZOLAMIDE-RESPONSIVE; CEREBELLOPATHY, HEREDITARY PAROXYSMAL; ACETAZOLAMIDE-RESPONSIVE HEREDITARY PAROXYSMAL CEREBELLAR ATAXIA; EPISODIC ATAXIA, NYSTAGMUS-ASSOCIATED. Identifiers: Orphanet 97, MedGen C1720416, MONDO:0007163, OMIM 108500.
Developmental and epileptic encephalopathy, 42 (DEE42A). Also called: Epileptic encephalopathy, early infantile, 42; DEVELOPMENTAL AND EPILEPTIC ENCEPHALOPATHY 42A; EPILEPTIC ENCEPHALOPATHY, EARLY INFANTILE, 42A. Identifiers: MedGen C4310716, MONDO:0014917, OMIM 617106.

Submission:

Labcorp Genetics (formerly Invitae), Labcorp
Classification: Uncertain significance for Developmental and epileptic encephalopathy, 42; Episodic ataxia type 2. Last evaluated: 2023-08-30. Review status: criteria provided, single submitter. Criteria: Invitae Variant Classification Sherloc (09022015). Collection method: clinical testing. Allele origin: germline.
Comment: This sequence change replaces glutamic acid, which is acidic and polar, with lysine, which is basic and polar, at codon 1201 of the CACNA1A protein (p.Glu1201Lys). This variant is not present in population databases (gnomAD no frequency). In summary, the available evidence is currently insufficient to determine the role of this variant in disease. Therefore, it has been classified as a Variant of Uncertain Significance. Advanced modeling of protein sequence and biophysical properties (such as structural, functional, and spatial information, amino acid conservation, physicochemical variation, residue mobility, and thermodynamic stability) performed at Invitae indicates that this missense variant is not expected to disrupt CACNA1A protein function. ClinVar contains an entry for this variant (Variation ID: 2004504). This variant has not been reported in the literature in individuals affected with CACNA1A-related conditions.